The following is an entry in ClinVar:

ClinVar aggregate classification (germline): Uncertain significance (1 of 4 stars; one submission).

Conditions:
Cardiovascular phenotype. Identifiers: MedGen CN230736.

Allele frequency attached by ClinVar (database versions not stated): gnomAD 0.00001; gnomAD exomes 0.00001.
gnomAD v4.1: 21 of 1,613,768 alleles (0.0013%); highest among the groups gnomAD compares: Non-Finnish European, 0.0018%; no homozygotes.

Submission:

Ambry Genetics
Classification: Uncertain significance for Cardiovascular phenotype. Last evaluated: 2024-05-08. Review status: criteria provided, single submitter. Criteria: Ambry Variant Classification Scheme 2023. Collection method: clinical testing. Allele origin: germline.
Comment: The p.N1206K variant (also known as c.3618T>G), located in coding exon 26 of the LAMA4 gene, results from a T to G substitution at nucleotide position 3618. The asparagine at codon 1206 is replaced by lysine, an amino acid with similar properties. This amino acid position is highly conserved in available vertebrate species. In addition, the in silico prediction for this alteration is inconclusive. The evidence for this gene-disease relationship is limited; therefore, the clinical significance of this alteration is unclear.

Literature cited by the submitters: PubMed 31983221.

NM_001105206.3(LAMA4):c.3639T>G (p.Asn1213Lys)

Gene: LAMA4 (laminin subunit alpha 4; minus strand). Cytogenetic location: 6q21.
Variant type: single nucleotide variant.
Coding change: c.3639T>G on transcript NM_001105206.3 (MANE Select); coding-DNA position 3639, T replaced by G.
Protein change: p.Asn1213Lys; replaces asparagine 1213 with lysine.
Molecular consequence: missense variant.
Genome position (GRCh38, 1-based): chr6:112,133,406, A>C on the plus strand (T>G on the coding strand, the complement: LAMA4 is on the minus strand). VCF-style: chr6-112133406-A-C. GRCh37 (hg19) VCF-style: chr6-112454608-A-C.
Other names: c.3618T>G, p.Asn1206Lys (NM_001105207.3, NM_002290.5); short protein forms N1213K, N1206K.
Identifiers: ClinVar variation 1733288 (VCV001733288.3), dbSNP rs907190665, ClinGen allele CA144888421.
Genomic context (GRCh38, chr6:112,133,406, plus strand): 5'-TACAAGTGAGTCTTCTGGGCATCCATAACCAACTCCCAGGGTTTCTGTCTGCTCCAGTAA[A>C]TTGAAGTCCTTCTTTTGGAACTGGAAGCCCTTCATGCATCCTCTGAAGTTGATATCTAGG-3'
Protein context (NP_001098676.2, residues 1203-1223): KGFQFQKKDF[Asn1213Lys]LLEQTETLGV